The following is an entry in ClinVar:

NM_001031710.3(KLHL7):c.1367C>T (p.Pro456Leu)

Gene: KLHL7 (kelch like family member 7; plus strand). Cytogenetic location: 7p15.3.
Variant type: single nucleotide variant.
Coding change: c.1367C>T on transcript NM_001031710.3 (MANE Select); coding-DNA position 1367, C replaced by T.
Protein change: p.Pro456Leu; replaces proline 456 with leucine.
Molecular consequence: missense variant. On other transcripts: non-coding transcript variant (1).
Genome position (GRCh38, 1-based): chr7:23,168,025, C>T. VCF-style: chr7-23168025-C-T. GRCh37 (hg19) VCF-style: chr7-23207644-C-T.
Other names: c.1223C>T, p.Pro408Leu (NM_018846.5); short protein forms P456L, P408L.
Identifiers: ClinVar variation 970808 (VCV000970808.10), dbSNP rs1443329060, ClinGen allele CA366982079.
Genomic context (GRCh38, chr7:23,168,025, plus strand): 5'-GTGGAAGTTTAGGAAACAATGTTTCTGGGAGAGTGCTTAATTCCTGTGAAGTTTATGATC[C>T]TGCCACAGAAACGTATGTATCTATTTAAAATTTATTTTACAGTTAACTGTATTCTATAAG-3'
Protein context (NP_001026880.2, residues 446-466): RVLNSCEVYD[Pro456Leu]ATETWTELCP

ClinVar aggregate classification (germline): Uncertain significance. Review status: criteria provided, multiple submitters, no conflicts (2 of 4 stars). 2 submissions from 2 submitters: Uncertain significance (2). Last evaluated 2022-11-18.

Allele frequency attached by ClinVar (database versions not stated): gnomAD 0.00001; TOPMed 0.00001.
gnomAD v4.1: 1 of 1,613,646 alleles (0.000062%); highest among the groups gnomAD compares: Non-Finnish European, 0.000085%; no homozygotes.

Submissions (2):

Blueprint Genetics
Classification: Uncertain significance. Last evaluated: 2022-11-18. Review status: criteria provided, single submitter. Criteria: ACMG Guidelines, 2015. Collection method: clinical testing. Allele origin: germline.

Labcorp Genetics (formerly Invitae), Labcorp
Classification: Uncertain significance. Last evaluated: 2020-08-04. Review status: criteria provided, single submitter. Criteria: Invitae Variant Classification Sherloc (09022015). Collection method: clinical testing. Allele origin: germline.
Comment: In summary, the available evidence is currently insufficient to determine the role of this variant in disease. Therefore, it has been classified as a Variant of Uncertain Significance. Algorithms developed to predict the effect of missense changes on protein structure and function (SIFT, PolyPhen-2, Align-GVGD) all suggest that this variant is likely to be disruptive, but these predictions have not been confirmed by published functional studies and their clinical significance is uncertain. This variant has not been reported in the literature in individuals with KLHL7-related conditions. This variant is not present in population databases (ExAC no frequency). This sequence change replaces proline with leucine at codon 456 of the KLHL7 protein (p.Pro456Leu). The proline residue is highly conserved and there is a moderate physicochemical difference between proline and leucine.